The following is an entry in ClinVar:

NM_153704.6(TMEM67):c.2166C>G (p.Ser722Arg)

Gene: TMEM67 (transmembrane protein 67; plus strand). Cytogenetic location: 8q22.1.
Variant type: single nucleotide variant.
Coding change: c.2166C>G on transcript NM_153704.6 (MANE Select); coding-DNA position 2166, C replaced by G.
Protein change: p.Ser722Arg; replaces serine 722 with arginine.
Molecular consequence: missense variant. On other transcripts: non-coding transcript variant (1).
Genome position (GRCh38, 1-based): chr8:93,799,683, C>G. VCF-style: chr8-93799683-C-G. GRCh37 (hg19) VCF-style: chr8-94811911-C-G.
Other names: c.1923C>G, p.Ser641Arg (NM_001142301.1); short protein forms S722R, S641R.
Identifiers: ClinVar variation 2134881 (VCV002134881.4), dbSNP rs1814780896, ClinGen allele CA371695477.

ClinVar aggregate classification (germline): Uncertain significance (1 of 4 stars; one submission).

Conditions:
Joubert syndrome. Also called: CEREBELLOPARENCHYMAL DISORDER IV; JOUBERT-BOLTSHAUSER SYNDROME; Familial aplasia of the vermis. Identifiers: Orphanet 475, MedGen C5979921, MONDO:0018772.
Meckel-Gruber syndrome. Also called: DYSENCEPHALIA SPLANCHNOCYSTICA; GRUBER SYNDROME; Dysencephalia splachnocystica. Identifiers: Orphanet 564, MedGen C0265215, MONDO:0018921.

Submission:

Labcorp Genetics (formerly Invitae), Labcorp
Classification: Uncertain significance for Joubert syndrome; Meckel-Gruber syndrome. Last evaluated: 2022-05-06. Review status: criteria provided, single submitter. Criteria: Invitae Variant Classification Sherloc (09022015). Collection method: clinical testing. Allele origin: germline.
Comment: In summary, the available evidence is currently insufficient to determine the role of this variant in disease. Therefore, it has been classified as a Variant of Uncertain Significance. Advanced modeling of protein sequence and biophysical properties (such as structural, functional, and spatial information, amino acid conservation, physicochemical variation, residue mobility, and thermodynamic stability) performed at Invitae indicates that this missense variant is not expected to disrupt TMEM67 protein function. This variant has not been reported in the literature in individuals affected with TMEM67-related conditions. This variant is not present in population databases (gnomAD no frequency). This sequence change replaces serine, which is neutral and polar, with arginine, which is basic and polar, at codon 722 of the TMEM67 protein (p.Ser722Arg).